The following is an entry in ClinVar:

NM_024757.5(EHMT1):c.16G>C (p.Ala6Pro)

Genes: EHMT1 (euchromatic histone lysine methyltransferase 1; plus strand), LOC130003135 (ATAC-STARR-seq lymphoblastoid silent region 20636; plus strand). Cytogenetic location: 9q34.3.
Variant type: single nucleotide variant.
Coding change: c.16G>C on transcript NM_024757.5 (MANE Select); coding-DNA position 16, G replaced by C.
Protein change: p.Ala6Pro; replaces alanine 6 with proline.
Molecular consequence: missense variant. On other transcripts: 5 prime UTR variant (2).
Genome position (GRCh38, 1-based): chr9:137,619,044, G>C. VCF-style: chr9-137619044-G-C. GRCh37 (hg19) VCF-style: chr9-140513496-G-C.
Other names: c.16G>C, p.Ala6Pro (NM_001145527.2, NM_001354263.2, NM_001354611.2); c.-14G>C (NM_001354259.2, NM_001354612.2); short protein forms A6P.
Identifiers: ClinVar variation 2231142 (VCV002231142.3), dbSNP rs890540301, ClinGen allele CA201812626.

ClinVar aggregate classification (germline): Uncertain significance. Review status: criteria provided, multiple submitters, no conflicts (2 of 4 stars). 2 submissions from 2 submitters: Uncertain significance (2). Last evaluated 2024-09-25.

Conditions:
Inborn genetic diseases. Identifiers: MedGen C0950123, MeSH D030342.

Allele frequency attached by ClinVar (database versions not stated): gnomAD 0.00001; TOPMed 0.00001.
gnomAD v4.1: 2 of 957,954 alleles (0.00021%); highest among the groups gnomAD compares: Non-Finnish European, 0.00025%; no homozygotes.

Submissions (2):

GeneDx
Classification: Uncertain significance. Last evaluated: 2024-09-25. Review status: criteria provided, single submitter. Criteria: GeneDx Variant Classification Process June 2021. Collection method: clinical testing. Allele origin: germline. Affected: yes.
Comment: Not observed at significant frequency in large population cohorts (gnomAD); In silico analysis indicates that this missense variant does not alter protein structure/function; Has not been previously published as pathogenic or benign to our knowledge

Ambry Genetics
Classification: Uncertain significance for Inborn genetic diseases. Last evaluated: 2021-05-06. Review status: criteria provided, single submitter. Criteria: Ambry Variant Classification Scheme 2023. Collection method: clinical testing. Allele origin: germline.